The following is an entry in ClinVar:

NM_006389.5(HYOU1):c.1435C>T (p.Arg479Cys)

Gene: HYOU1 (hypoxia up-regulated 1; minus strand). Cytogenetic location: 11q23.3.
Variant type: single nucleotide variant.
Coding change: c.1435C>T on transcript NM_006389.5 (MANE Select); coding-DNA position 1435, C replaced by T.
Protein change: p.Arg479Cys; replaces arginine 479 with cysteine.
Molecular consequence: missense variant.
Genome position (GRCh38, 1-based): chr11:119,051,529, G>A on the plus strand (C>T on the coding strand, the complement: HYOU1 is on the minus strand). VCF-style: chr11-119051529-G-A. GRCh37 (hg19) VCF-style: chr11-118922241-G-A.
Other names: c.1435C>T, p.Arg479Cys (NM_001130991.3, NM_001411041.1); short protein forms R479C.
Identifiers: ClinVar variation 2413677 (VCV002413677.5), dbSNP rs139920723, ClinGen allele CA229621888.
Genomic context (GRCh38, chr11:119,051,529, plus strand): 5'-CGCCGTAGTTGATGTGGAAGTTGAAATCATGGCTGTAGCGGTTAAAGGTGATGACTTTGC[G>A]TTGAGGGTAGGGCCCCATCCGAGAGAAGAGTACCCGTTTATTGTGCTTCAGGCTGTGAAT-3'
Protein context (NP_006380.1, residues 469-489): LFSRMGPYPQ[Arg479Cys]KVITFNRYSH

ClinVar aggregate classification (germline): Uncertain significance (1 of 4 stars; one submission).

Allele frequency attached by ClinVar (database versions not stated): gnomAD 0.00001; gnomAD exomes 0.00001; TOPMed 0.00001.
gnomAD v4.1: 17 of 1,614,008 alleles (0.0011%); highest among the groups gnomAD compares: Admixed American, 0.005%; no homozygotes.

Submission:

Labcorp Genetics (formerly Invitae), Labcorp
Classification: Uncertain significance. Last evaluated: 2024-05-10. Review status: criteria provided, single submitter. Criteria: Invitae Variant Classification Sherloc (09022015). Collection method: clinical testing. Allele origin: germline.
Comment: This sequence change replaces arginine, which is basic and polar, with cysteine, which is neutral and slightly polar, at codon 479 of the HYOU1 protein (p.Arg479Cys). This variant is present in population databases (rs139920723, gnomAD 0.009%). This variant has not been reported in the literature in individuals affected with HYOU1-related conditions. ClinVar contains an entry for this variant (Variation ID: 2413677). An algorithm developed to predict the effect of missense changes on protein structure and function (PolyPhen-2) suggests that this variant is likely to be disruptive. In summary, the available evidence is currently insufficient to determine the role of this variant in disease. Therefore, it has been classified as a Variant of Uncertain Significance.